The following is an entry in ClinVar:

NM_007194.4(CHEK2):c.593-16C>T

Gene: CHEK2 (checkpoint kinase 2; minus strand). Cytogenetic location: 22q12.1.
Variant type: single nucleotide variant.
Coding change: c.593-16C>T on transcript NM_007194.4 (MANE Select); 16 bases into the intron before coding-DNA position 593, C replaced by T.
Molecular consequence: intron variant.
Genome position (GRCh38, 1-based): chr22:28,719,501, G>A on the plus strand (C>T on the coding strand, the complement: CHEK2 is on the minus strand). VCF-style: chr22-28719501-G-A. GRCh37 (hg19) VCF-style: chr22-29115489-G-A.
Other names: c.-71-16C>T (NM_001437942.1, NM_001257387.3); c.482+5385C>T (NM_001349956.3); c.593-16C>T (NM_145862.3); c.686-16C>T (NM_001438295.1, NM_001438293.1); c.722-16C>T (NM_001438294.1, NM_001005735.3).
Identifiers: ClinVar variation 390917 (VCV000390917.5), dbSNP rs1057523924, ClinGen allele CA16608613.

ClinVar aggregate classification (germline): Likely benign. Review status: criteria provided, multiple submitters, no conflicts (2 of 4 stars). 3 submissions from 3 submitters: Likely benign (3). Last evaluated 2025-09-17.

Conditions:
Familial cancer of breast. Also called: Hereditary breast cancer; hereditary breast carcinoma; BREAST CANCER, FAMILIAL. Identifiers: Orphanet 227535, MedGen C0346153, MONDO:0016419, OMIM 114480. Disease mechanism: loss of function.

Submissions (3):

Labcorp Genetics (formerly Invitae), Labcorp
Classification: Likely benign for Familial cancer of breast. Last evaluated: 2025-09-17. Review status: criteria provided, single submitter. Criteria: Invitae Variant Classification Sherloc (09022015). Collection method: clinical testing. Allele origin: germline.

Myriad Genetics, Inc.
Classification: Likely benign for Familial cancer of breast. Last evaluated: 2024-10-03. Review status: criteria provided, single submitter. Criteria: Myriad Autosomal Dominant, Autosomal Recessive and X-Linked Classification Criteria (2023). Collection method: clinical testing. Allele origin: unknown.
Comment: This variant is considered likely benign. This variant is intronic and is not expected to impact mRNA splicing.

GeneDx
Classification: Likely benign. Last evaluated: 2016-11-14. Review status: criteria provided, single submitter. Criteria: GeneDx Variant Classification (06012015). Collection method: clinical testing. Allele origin: germline. Affected: yes.
Comment: This variant is considered likely benign or benign based on one or more of the following criteria: it is a conservative change, it occurs at a poorly conserved position in the protein, it is predicted to be benign by multiple in silico algorithms, and/or has population frequency not consistent with disease.